The following is an entry in ClinVar:

NM_177438.3(DICER1):c.30C>T (p.Ser10=)

Gene: DICER1 (dicer 1, ribonuclease III; minus strand). Cytogenetic location: 14q32.13.
Variant type: single nucleotide variant.
Coding change: c.30C>T on transcript NM_177438.3 (MANE Select); coding-DNA position 30, C replaced by T.
Protein change: p.Ser10=; no amino-acid change (serine 10 retained).
Molecular consequence: synonymous variant.
Genome position (GRCh38, 1-based): chr14:95,133,429, G>A on the plus strand (C>T on the coding strand, the complement: DICER1 is on the minus strand). VCF-style: chr14-95133429-G-A. GRCh37 (hg19) VCF-style: chr14-95599766-G-A.
Other names: c.30C>T, p.Ser10= (NM_001195573.1, NM_001271282.3, NM_001291628.2 and 1 more transcripts).
Identifiers: ClinVar variation 649533 (VCV000649533.19), dbSNP rs752245195, ClinGen allele CA265927760.

ClinVar aggregate classification (germline): Conflicting classifications of pathogenicity. Review status: criteria provided, conflicting classifications (1 of 4 stars). 4 submissions from 4 submitters: Uncertain significance (1); Benign (1); Likely benign (2). Last evaluated 2026-04-14.

Conditions:
DICER1-related tumor predisposition. Also called: DICER1-related pleuropulmonary blastoma cancer predisposition syndrome; DICER1 syndrome. Identifiers: Orphanet 284343, MedGen C3839822, MONDO:0100216.
Hereditary cancer-predisposing syndrome. Also called: Hereditary Cancer Syndrome; Hereditary neoplastic syndrome; Neoplastic Syndromes, Hereditary; Tumor predisposition. Identifiers: Orphanet 140162, MedGen C0027672, MeSH D009386, MONDO:0015356.

Allele frequency attached by ClinVar (database versions not stated): gnomAD exomes below 0.00001; gnomAD 0.00001; TOPMed 0.00001.
gnomAD v4.1: 8 of 1,613,786 alleles (0.0005%); highest among the groups gnomAD compares: Admixed American, 0.0017%; no homozygotes.

Submissions (4):

Myriad Genetics, Inc.
Classification: Benign for DICER1-related tumor predisposition. Last evaluated: 2026-04-14. Review status: criteria provided, single submitter. Criteria: Myriad Autosomal Dominant, Autosomal Recessive and X-Linked Classification Criteria (2023). Collection method: clinical testing. Allele origin: unknown.
Comment: This variant is considered benign. This variant is a silent/synonymous amino acid change and it is not expected to impact splicing.

Labcorp Genetics (formerly Invitae), Labcorp
Classification: Likely benign for DICER1-related tumor predisposition. Last evaluated: 2025-03-18. Review status: criteria provided, single submitter. Criteria: Invitae Variant Classification Sherloc (09022015). Collection method: clinical testing. Allele origin: germline.

GeneDx
Classification: Uncertain significance. Last evaluated: 2023-01-04. Review status: criteria provided, single submitter. Criteria: GeneDx Variant Classification Process June 2021. Collection method: clinical testing. Allele origin: germline. Affected: yes.
Comment: Not observed at significant frequency in large population cohorts (gnomAD); In silico analysis supports that this variant does not alter splicing; Has not been previously published as pathogenic or benign to our knowledge

Ambry Genetics
Classification: Likely benign for Hereditary cancer-predisposing syndrome. Last evaluated: 2018-07-22. Review status: criteria provided, single submitter. Criteria: Ambry Variant Classification Scheme 2023. Collection method: clinical testing. Allele origin: germline.